The following is an entry in ClinVar:

NM_007325.5(GRIA3):c.2262A>C (p.Lys754Asn)

Gene: GRIA3 (glutamate ionotropic receptor AMPA type subunit 3; plus strand). Cytogenetic location: Xq25.
Variant type: single nucleotide variant.
Coding change: c.2262A>C on transcript NM_007325.5 (MANE Select); coding-DNA position 2262, A replaced by C.
Protein change: p.Lys754Asn; replaces lysine 754 with asparagine.
Molecular consequence: missense variant.
Genome position (GRCh38, 1-based): chrX:123,465,050, A>C. VCF-style: chrX-123465050-A-C. GRCh37 (hg19) VCF-style: chrX-122598901-A-C.
Other names: c.2262A>C, p.Lys754Asn (NM_000828.5); short protein forms K754N.
Identifiers: ClinVar variation 2673258 (VCV002673258.23), dbSNP rs2521332255, ClinGen allele CA414265470.
Genomic context (GRCh38, chrX:123,465,050, plus strand): 5'-CCTGCTGGAGTCAACCATGAATGAGTACATTGAGCAGAGAAAACCATGTGATACGATGAA[A>C]GTTGGTGGAAATCTGGATTCCAAAGGCTATGGTGTGGCAACCCCTAAAGGCTCAGCATTA-3'
Protein context (NP_015564.5, residues 744-764): IEQRKPCDTM[Lys754Asn]VGGNLDSKGY

ClinVar aggregate classification (germline): Uncertain significance (1 of 4 stars; one submission).

Submission:

CeGaT Center for Human Genetics Tuebingen
Classification: Uncertain significance. Last evaluated: 2023-11-01. Review status: criteria provided, single submitter. Criteria: CeGaT Center For Human Genetics Tuebingen Variant Classification Criteria Version 2. Collection method: clinical testing. Allele origin: germline. Affected: yes. Observed: 1 variant allele.
Comment: GRIA3: PM2, PP2